The following continues an entry in ClinVar:

NM_004004.6(GJB2):c.231G>A (p.Trp77Ter)

Gene: GJB2. ClinVar aggregate classification (germline): Pathogenic. Pathogenic (21).

Submissions 10 to 19 of 26:

Foundation for Research in Genetics and Endocrinology, FRIGE's Institute of Human Genetics
Classification: Pathogenic for Autosomal recessive nonsyndromic hearing loss 1A. Last evaluated: 2023-04-04. Review status: criteria provided, single submitter. Criteria: ACMG Guidelines, 2015. Collection method: clinical testing. Allele origin: germline. Inheritance: Autosomal recessive inheritance. Affected: yes. Observed: 1 heterozygote.
Comment: A heterozygous nonsense variant in exon 2 of the GJB2 gene that results in a stop codon and premature truncation of the protein at codon 77 (p.Trp77Ter) was detected. This variant has not been reported in 1000 genomes database and has a minor allele frequency of 0.004%, 0.01%, 0.0008% in the, gnomAD (v3.1), gnomdAD (v2), topmed and databases, respectively. The in silico prediction of the variant is damaging by MuttaionTaster2. The reference codon is conserved across species. In summary, the variant meets our criteria to be classified as pathogenic.

Revvity Omics, Revvity
Classification: Pathogenic. Last evaluated: 2023-02-28. Review status: criteria provided, single submitter. Criteria: ACMG Guidelines, 2015. Collection method: clinical testing. Allele origin: germline.

Victorian Clinical Genetics Services, Murdoch Childrens Research Institute
Classification: Pathogenic for Autosomal recessive nonsyndromic hearing loss 1A. Last evaluated: 2022-09-02. Review status: criteria provided, single submitter. Criteria: ACMG Guidelines, 2015. Collection method: clinical testing. Allele origin: germline. Inheritance: Autosomal recessive inheritance. Affected: yes.
Comment: Based on the classification scheme VCGS_Germline_v1.3.4, this variant is classified as Pathogenic. Following criteria are met: 0102 - Loss of function is a known mechanism of disease in this gene and is associated with both deafness and skin conditions (OMIM). Dominant negative is also a suggested mechanism (PMID: 28428247). (I) 0108 - This gene is associated with both recessive and dominant disease. The autosomal dominant diseases are commonly associated with pathogenic missense variants. The autosomal recessive disease is associated with bi-allelic loss-of-function variants and includes missense and protein truncating variants (NIH Genetics Home Reference, PMID: 12792423). (I) 0112 - The condition associated with this gene has incomplete penetrance (PMID: 31160754). (I) 0115 - Variants in this gene are known to have variable expressivity. Severity can range from mild to profound with intrafamilial variability also commonly seen. Commonly, truncating variants are associated to a more severe hearing loss (GeneReviews). (I) 0204 - Variant is predicted to result in a truncated protein (premature termination codon is NOT located at least 54 nucleotides upstream of the final exon-exon junction) with at least 1/3 of the protein sequence affected. (SP) 0251 - This variant is heterozygous. (I) 0304 - Variant is present in gnomAD (v2) <0.01 (35 heterozygotes, 0 homozygotes). (SP) 0701 - Other protein-truncating variants comparable to the one identified in this case have very strong previous evidence for pathogenicity. There are at least five pathogenic protein truncating variants downstream of this variant (DECIPHER). (SP) 0801 - This variant has strong previous evidence of pathogenicity in unrelated individuals. This variant has been classified as pathogenic by multiple clinical laboratories and is a common pathogenic variant in the Pakistani population (ClinVar; PMID: 30303587). This variant has also been classified as pathogenic in the Deafness Variation Database. (SP) 1208 - Inheritance information for this variant is not currently available in this individual. (I) Legend: (SP) - Supporting pathogenic, (I) - Information, (SB) - Supporting benign

GeneDx
Classification: Pathogenic. Last evaluated: 2022-05-20. Review status: criteria provided, single submitter. Criteria: GeneDx Variant Classification Process June 2021. Collection method: clinical testing. Allele origin: germline. Affected: yes.
Comment: Nonsense variant in the C-terminus predicted to result in protein truncation, as the last 150 amino acids are lost, and other loss-of-function variants have been reported downstream in the Human Gene Mutation Database (HGMD); This variant is associated with the following publications: (PMID: 22975760, 24949729, 19465004, 25087612, 25636251, 24840842, 9139825, 18941476, 29921236, 29542069, 29086887, 30168495, 20086291, 18983339, 31980526, 33614373)

Genetics and Genomic Medicine Centre, NeuroGen Healthcare, NeuroGen Healthcare
Classification: Pathogenic for Knuckle pads, deafness AND leukonychia syndrome. Last evaluated: 2021-10-02. Review status: criteria provided, single submitter. Criteria: Submitter's publication. Collection method: clinical testing. Allele origin: unknown. Affected: no.

Fulgent Genetics
Classification: Pathogenic for Mutilating keratoderma; Autosomal dominant keratitis-ichthyosis-hearing loss syndrome; Palmoplantar keratoderma-deafness syndrome; Knuckle pads, deafness AND leukonychia syndrome; Autosomal recessive nonsyndromic hearing loss 1A; X-linked mixed hearing loss with perilymphatic gusher; Autosomal dominant nonsyndromic hearing loss 3A. Last evaluated: 2018-10-31. Review status: criteria provided, single submitter. Criteria: ACMG Guidelines, 2015. Collection method: clinical testing. Allele origin: unknown.

Women's Health and Genetics/Laboratory Corporation of America, LabCorp
Classification: Pathogenic for Deafness, autosomal recessive 1A. Last evaluated: 2018-06-19. Review status: criteria provided, single submitter. Criteria: LabCorp Variant Classification Summary - May 2015. Collection method: clinical testing. Allele origin: germline.
Comment: Variant summary: GJB2 c.231G>A (p.Trp77X) results in a premature termination codon, predicted to cause a truncation of the encoded protein or absence of the protein due to nonsense mediated decay, which are commonly known mechanisms for disease. The variant allele was found at a frequency of 0.00015 in 246196 control chromosomes. This frequency is not higher than expected for a pathogenic variant in GJB2 causing Autosomal Recessive Non-Syndromic Hearing Loss (0.00015 vs 0.025). c.231G>A has been reported in the literature in multiple individuals affected with Autosomal Recessive Non-Syndromic Hearing Loss in homozygous and compound heterozygous state (e.g. Kelsell 1997, Santos 2005, Mani 2009). These data indicate that the variant is very likely to be associated with disease. To our knowledge, no experimental evidence demonstrating an impact on protein function has been reported. One clinical diagnostic laboratory has submitted clinical-significance assessments for this variant to ClinVar after 2014, and classified the variant as pathogenic. Based on the evidence outlined above, the variant was classified as pathogenic.

Laboratory for Molecular Medicine, Mass General Brigham Personalized Medicine
Classification: Pathogenic for Rare genetic deafness. Last evaluated: 2017-06-22. Review status: criteria provided, single submitter. Criteria: LMM Criteria. Collection method: clinical testing. Allele origin: germline. Inheritance: Autosomal recessive inheritance. Observed: 4 variant alleles.
Comment: The p.Trp77X variant in GJB2 has been reported in several individuals with heari ng loss who were either homozygous or compound heterozygous with a second pathog enic variant in GJB2 (Kelsell 1997, Scott 1998, Rickard 2001, Santos 2005, Mani 2008, Padma 2009, Shafique 2014, LMM data). It has also been identified in 35/30 782 South Asian chromosomes by the genome Aggregation Database (gnomAD; dbSNP rs80338944), which is consistent with the carrie r frequency for recessive hearing loss in the general population. This nonsense variant leads to a premature termination codon at position 77, which is predicte d to lead to a truncated protein. Loss of function of the GJB2 gene is an establ ished disease mechanism in autosomal recessive nonsyndromic hearing loss. In add ition, another nonsense variant at an adjacent nucleotide position (c.230G>A) re sulting in the same amino acid change has also been reported in many individuals with hearing loss (Hwa 2003, Bazazzagedan 2012, Huang 2015). Several individual s have been reported with the p.Trp77X variant; however, the nucleotide change w as not described (Cheng 2005, Bajaj 2008, Bhalla 2009). In summary, this variant meets criteria to be classified as pathogenic for autosomal recessive hearing l oss based upon the predicted impact of the variant, and homozygosity or compound heterozygosity in multiple affected individuals.

3billion
Classification: Pathogenic for Autosomal recessive nonsyndromic hearing loss 1A. Review status: criteria provided, single submitter. Criteria: ACMG Guidelines, 2015. Collection method: clinical testing. Allele origin: unknown. Affected: yes. Observed: 2 variant alleles, 2 homozygotes. Clinical features observed: Hearing impairment (HP:0000365), Severe hearing impairment (HP:0012714), Conductive hearing impairment (HP:0000405), Bilateral (HP:0012832).
Comment: The variant is observed at an extremely low frequency in the gnomAD v2.1.1 dataset (total allele frequency: 0.014%). The variant is predicted to result in a loss or disruption of normal protein function through protein truncation. Multiple pathogenic variants are reported in the predicted truncated region. The variant has been reported to be in trans with a pathogenic variant as either compound heterozygous or homozygous in at least one similarly affected unrelated individual (PMID: 33187236). The variant has been reported to co-segregate with the disease in at least one similarly affected relative/individual in the same family or similarly affected unrelated family (PMID: 33187236). The variant has been reported at least twice as pathogenic with clinical assertions and evidence for the classification (ClinVar ID: VCV000017001 / PMID: 9139825 / 3billion dataset). Therefore, this variant is classified as Pathogenic according to the recommendation of ACMG/AMP guideline.

Baylor Genetics
Classification: Pathogenic for Autosomal recessive nonsyndromic hearing loss 1A; Autosomal recessive nonsyndromic hearing loss 1B. Review status: criteria provided, single submitter. Criteria: ACMG Guidelines, 2015. Collection method: clinical testing. Allele origin: germline.